The following is an entry in ClinVar:

ClinVar aggregate classification (germline): Uncertain significance (1 of 4 stars; one submission).

Submission:

Dasa
Classification: Uncertain significance. Last evaluated: 2026-03-06. Review status: criteria provided, single submitter. Criteria: DASA Assertion Criteria. Collection method: clinical testing. Allele origin: germline.
Comment: NM_001015877.2(PHF6):c.991G>A (p.Gly331Arg) is a missense variant that results in the substitution of glycine with arginine. This variant is rare in population databases. The currently available literature and clinical evidence are not sufficient to establish a definitive association between this variant and the reported condition. Therefore, this variant is classified as a variant of uncertain significance.

NM_001015877.2(PHF6):c.991G>A (p.Gly331Arg)

Gene: PHF6 (PHD finger protein 6; plus strand). Cytogenetic location: Xq26.2.
Variant type: single nucleotide variant.
Coding change: c.991G>A on transcript NM_001015877.2 (MANE Select); coding-DNA position 991, G replaced by A.
Protein change: p.Gly331Arg; replaces glycine 331 with arginine.
Molecular consequence: missense variant.
Genome position (GRCh38, 1-based): chrX:134,425,223, G>A. VCF-style: chrX-134425223-G-A. GRCh37 (hg19) VCF-style: chrX-133559253-G-A.
Other names: c.991G>A, p.Gly331Arg (NM_032458.3); short protein forms G331R.
Identifiers: ClinVar variation 4885480 (VCV004885480.2).
Genomic context (GRCh38, chrX:134,425,223, plus strand): 5'-ACAAAGCATTTTGAGATTTTTGTCTTTCATCATTGTAGACTATACTGTAAAAATCATAGT[G>A]GAAATGATGAGAGAGATGAAGAAGATGAGGAACGAGAGAGTAAAAGCCGAGGAAAAGTAG-3'
Protein context (NP_001015877.1, residues 321-341): IYKLYCKNHS[Gly331Arg]NDERDEEDEE